The following is an entry in ClinVar:

NM_000465.4(BARD1):c.2009A>C (p.Lys670Thr)

Gene: BARD1 (BRCA1 associated RING domain 1; minus strand). Cytogenetic location: 2q35.
Variant type: single nucleotide variant.
Coding change: c.2009A>C on transcript NM_000465.4 (MANE Select); coding-DNA position 2009, A replaced by C.
Protein change: p.Lys670Thr; replaces lysine 670 with threonine.
Molecular consequence: missense variant. On other transcripts: non-coding transcript variant (3).
Genome position (GRCh38, 1-based): chr2:214,729,001, T>G on the plus strand (A>C on the coding strand, the complement: BARD1 is on the minus strand). VCF-style: chr2-214729001-T-G. GRCh37 (hg19) VCF-style: chr2-215593725-T-G.
Other names: c.1952A>C, p.Lys651Thr (NM_001282543.2); c.656A>C, p.Lys219Thr (NM_001282545.2); c.599A>C, p.Lys200Thr (NM_001282548.2); c.470A>C, p.Lys157Thr (NM_001282549.2); short protein forms K219T, K200T, K651T, K157T, K670T.
Identifiers: ClinVar variation 1494988 (VCV001494988.9), dbSNP rs769302736, ClinGen allele CA350450816.

ClinVar aggregate classification (germline): Uncertain significance (1 of 4 stars; one submission).

Conditions:
Familial cancer of breast. Also called: BREAST CANCER, FAMILIAL; Hereditary breast cancer; hereditary breast carcinoma. Identifiers: Orphanet 227535, MedGen C0346153, MONDO:0016419, OMIM 114480. Disease mechanism: loss of function.

Submission:

Labcorp Genetics (formerly Invitae), Labcorp
Classification: Uncertain significance for Familial cancer of breast. Last evaluated: 2020-12-02. Review status: criteria provided, single submitter. Criteria: Invitae Variant Classification Sherloc (09022015). Collection method: clinical testing. Allele origin: germline.
Comment: In summary, the available evidence is currently insufficient to determine the role of this variant in disease. Therefore, it has been classified as a Variant of Uncertain Significance. Algorithms developed to predict the effect of missense changes on protein structure and function are either unavailable or do not agree on the potential impact of this missense change (SIFT: "Tolerated"; PolyPhen-2: "Possibly Damaging"; Align-GVGD: "Class C0"). This variant has not been reported in the literature in individuals with BARD1-related conditions. This variant is not present in population databases (ExAC no frequency). This sequence change replaces lysine with threonine at codon 670 of the BARD1 protein (p.Lys670Thr). The lysine residue is highly conserved and there is a moderate physicochemical difference between lysine and threonine.